The following is an entry in ClinVar:

ClinVar aggregate classification (germline): Uncertain significance. Review status: criteria provided, multiple submitters, no conflicts (2 of 4 stars). 2 submissions from 2 submitters: Uncertain significance (2). Last evaluated 2026-03-17.

Conditions:
Hereditary cancer-predisposing syndrome. Also called: Hereditary neoplastic syndrome; Neoplastic Syndromes, Hereditary; Tumor predisposition; Hereditary Cancer Syndrome. Identifiers: Orphanet 140162, MedGen C0027672, MeSH D009386, MONDO:0015356.

Submissions (2):

Ambry Genetics
Classification: Uncertain significance for Hereditary cancer-predisposing syndrome. Last evaluated: 2026-03-17. Review status: criteria provided, single submitter. Criteria: Ambry Variant Classification Scheme 2023. Collection method: clinical testing. Allele origin: germline.
Comment: The p.L1029V variant (also known as c.3085C>G), located in coding exon 26 of the POLE gene, results from a C to G substitution at nucleotide position 3085. The leucine at codon 1029 is replaced by valine, an amino acid with highly similar properties. This amino acid position is highly conserved in available vertebrate species. In addition, this alteration is predicted to be tolerated by in silico analysis. Based on the available evidence, the clinical significance of this variant remains unclear.

Labcorp Genetics (formerly Invitae), Labcorp
Classification: Uncertain significance. Last evaluated: 2024-12-12. Review status: criteria provided, single submitter. Criteria: Invitae Variant Classification Sherloc (09022015). Collection method: clinical testing. Allele origin: germline.
Comment: This sequence change replaces leucine, which is neutral and non-polar, with valine, which is neutral and non-polar, at codon 1029 of the POLE protein (p.Leu1029Val). This variant is not present in population databases (gnomAD no frequency). This variant has not been reported in the literature in individuals affected with POLE-related conditions. ClinVar contains an entry for this variant (Variation ID: 1020979). Invitae Evidence Modeling of protein sequence and biophysical properties (such as structural, functional, and spatial information, amino acid conservation, physicochemical variation, residue mobility, and thermodynamic stability) indicates that this missense variant is not expected to disrupt POLE protein function with a negative predictive value of 80%. In summary, the available evidence is currently insufficient to determine the role of this variant in disease. Therefore, it has been classified as a Variant of Uncertain Significance.

NM_006231.4(POLE):c.3085C>G (p.Leu1029Val)

Gene: POLE (DNA polymerase epsilon, catalytic subunit; minus strand). Cytogenetic location: 12q24.33.
Variant type: single nucleotide variant.
Coding change: c.3085C>G on transcript NM_006231.4 (MANE Select); coding-DNA position 3085, C replaced by G.
Protein change: p.Leu1029Val; replaces leucine 1029 with valine.
Molecular consequence: missense variant.
Genome position (GRCh38, 1-based): chr12:132,659,485, G>C on the plus strand (C>G on the coding strand, the complement: POLE is on the minus strand). VCF-style: chr12-132659485-G-C. GRCh37 (hg19) VCF-style: chr12-133236071-G-C.
Other names: c.3085C>G (NM_006231.2); short protein forms L1029V.
Identifiers: ClinVar variation 1020979 (VCV001020979.9), dbSNP rs1593772866, ClinGen allele CA387391798.